The following is an entry in ClinVar:

ClinVar aggregate classification (germline): Pathogenic (1 of 4 stars; one submission).

Submission:

Labcorp Genetics (formerly Invitae), Labcorp
Classification: Pathogenic. Last evaluated: 2023-09-04. Review status: criteria provided, single submitter. Criteria: Invitae Variant Classification Sherloc (09022015). Collection method: clinical testing. Allele origin: germline.
Comment: This sequence change creates a premature translational stop signal (p.Gln197Argfs*4) in the DGUOK gene. It is expected to result in an absent or disrupted protein product. Loss-of-function variants in DGUOK are known to be pathogenic (PMID: 18205204). For these reasons, this variant has been classified as Pathogenic. This variant has not been reported in the literature in individuals affected with DGUOK-related conditions. This variant is present in population databases (rs747046961, gnomAD 0.0009%).

Literature cited by the submitters: PubMed 18205204.

NM_080916.3(DGUOK):c.589del (p.Gln197fs)

Gene: DGUOK (deoxyguanosine kinase; plus strand). Cytogenetic location: 2p13.1.
Variant type: Deletion.
Coding change: c.589del on transcript NM_080916.3 (MANE Select); coding-DNA position 589, one base deleted (C; older notation c.589delC).
Protein change: p.Gln197fs; shifts the reading frame from glutamine 197.
Molecular consequence: frameshift variant. On other transcripts: non-coding transcript variant (2), intron variant (2).
Genome position (GRCh38, 1-based): chr2:73,950,730, C deleted; the last of 4 consecutive C bases (chr2:73,950,727-73,950,730); deleting any one gives the same sequence. VCF-style (leftmost placement, unchanged base first): chr2-73950726-TC-T. GRCh37 (hg19) VCF-style: chr2-74177853-TC-T.
Other names: c.298del, p.Gln100fs (NM_001318860.2, NM_001318861.2); c.280del, p.Gln94fs (NM_001318862.2, NM_001318863.2); c.443+3824del (NM_080918.3); c.425+3842del (NM_001318859.2); short protein forms Q197fs, Q100fs, Q94fs.
Identifiers: ClinVar variation 2758034 (VCV002758034.3), dbSNP rs747046961, ClinGen allele CA1718286.